The following is an entry in ClinVar:

ClinVar aggregate classification (somatic clinical impact): Tier I - Strong (1 of 4 stars; one submission).

Conditions:
Medulloblastoma non-WNT/non-SHH. Identifiers: MedGen C4330667, MONDO:0850198.

Submission:

Institute for Genomic Medicine (IGM) Clinical Laboratory, Nationwide Children's Hospital
Classification: Tier I - Strong for Medulloblastoma non-WNT/non-SHH. Assertion type: diagnostic. Clinical significance: supports diagnosis. Last evaluated: 2025-06-16. Review status: criteria provided, single submitter. Criteria: AMP/ASCO/CAP Guidelines, 2017. Collection method: clinical testing. Allele origin: somatic. Affected: yes.
Comment: Variant has Tier I (strong) clinical significance as a diagnostic inclusion criterion in medulloblastoma non-WNT/non-SHH, based on the following evidence: 1) Documented in one or more cancer databases (e.g., St. Jude Pecan, COSMIC, CIViC, OncoKB). 2) Appears in one or more well-established professional guidelines (e.g., World Health Organization [WHO]; National Comprehensive Cancer Network [NCCN]) as providing diagnostic, prognostic, or therapeutic information. 3) Information in the literature supports potential biologic effect of variant (PMID: 35379950). 4) Diagnostic for a specific tumor type/classification based on well-powered studies with expert-level consensus (Evidence Level B; PMIDs: 35489737, 28726821, 33172502).

Literature cited by the submitters: PubMed 35379950; PubMed 35489737; PubMed 28726821; PubMed 33172502.

NM_018095.6(KBTBD4):c.929_935delinsCCTCATACAAGTT (p.Ile310_Arg312delinsThrSerTyrLysLeu)

Gene: KBTBD4 (kelch repeat and BTB domain containing 4; minus strand). Cytogenetic location: 11p11.2.
Variant type: Indel.
Coding change: c.929_935delinsCCTCATACAAGTT on transcript NM_018095.6 (MANE Select); coding-DNA positions 929 to 935, TCCCACG replaced by CCTCATACAAGTT.
Protein change: p.Ile310_Arg312delinsThrSerTyrLysLeu.
Molecular consequence: inframe indel.
Genome position (GRCh38, 1-based): chr11:47,573,600-47,573,606, CGTGGGA replaced by AACTTGTATGAGG on the plus strand (TCCCACG replaced by CCTCATACAAGTT on the coding strand, the reverse complement: KBTBD4 is on the minus strand). VCF-style: chr11-47573600-CGTGGGA-AACTTGTATGAGG. GRCh37 (hg19) VCF-style: chr11-47595152-CGTGGGA-AACTTGTATGAGG.
Other names: c.956_962delinsCCTCATACAAGTT, p.Ile319_Arg321delinsThrSerTyrLysLeu (NM_001318718.2, NM_001318719.2); c.950_956delinsCCTCATACAAGTT, p.Ile317_Arg319delinsThrSerTyrLysLeu (NM_001318720.2); c.881_887delinsCCTCATACAAGTT, p.Ile294_Arg296delinsThrSerTyrLysLeu (NM_001318721.2, NM_001318722.2, NM_001318723.2 and 3 more transcripts); c.1028_1034delinsCCTCATACAAGTT, p.Ile343_Arg345delinsThrSerTyrLysLeu (NM_001318716.2); c.998_1004delinsCCTCATACAAGTT, p.Ile333_Arg335delinsThrSerTyrLysLeu (NM_001318717.2).
Identifiers: ClinVar variation 4530477 (VCV004530477.1).